The following is an entry in ClinVar:

NM_001374385.1(ATP8B1):c.3588G>A (p.Gln1196=)

Genes: ATP8B1 (ATPase phospholipid transporting 8B1; minus strand), ATP8B1-AS1 (ATP8B1 antisense RNA 1; plus strand). Cytogenetic location: 18q21.31.
Variant type: single nucleotide variant.
Coding change: c.3588G>A on transcript NM_001374385.1 (MANE Select); coding-DNA position 3588, G replaced by A.
Protein change: p.Gln1196=; no amino-acid change (glutamine 1196 retained).
Molecular consequence: synonymous variant.
Genome position (GRCh38, 1-based): chr18:57,648,656, C>T on the plus strand (G>A on the coding strand, the complement: ATP8B1 is on the minus strand). VCF-style: chr18-57648656-C-T. GRCh37 (hg19) VCF-style: chr18-55315888-C-T.
Other names: c.3438G>A, p.Gln1146= (NM_001374386.1); c.3588G>A, p.Gln1196= (NM_005603.6).
Identifiers: ClinVar variation 3049779 (VCV003049779.2), dbSNP rs1245424563, ClinGen allele CA504012890.

ClinVar aggregate classification (germline): Likely benign (0 of 4 stars; one submission).

Conditions:
ATP8B1-related disorder. Also called: ATP8B1-related disorders; ATP8B1-related condition.

gnomAD v4.1: 1 of 1,580,854 alleles (0.000063%); no homozygotes.

Submission:

PreventionGenetics, part of Exact Sciences
Classification: Likely benign for ATP8B1-related condition. Last evaluated: 2022-11-04. Review status: no assertion criteria provided. Collection method: clinical testing. Allele origin: germline.
Comment: This variant is classified as likely benign based on ACMG/AMP sequence variant interpretation guidelines (Richards et al. 2015 PMID: 25741868, with internal and published modifications).